The following is an entry in ClinVar:

ClinVar aggregate classification (germline): Uncertain significance (1 of 4 stars; one submission).

Conditions:
Immunodeficiency due to CD25 deficiency. Also called: CD25 DEFICIENCY; IL2RA DEFICIENCY; IMMUNODEFICIENCY 41 WITH LYMPHOPROLIFERATION AND AUTOIMMUNITY. Identifiers: Orphanet 169100, MedGen C1853392, MONDO:0011664, OMIM 606367.

gnomAD v4.1: 2 of 1,613,566 alleles (0.00012%); highest among the groups gnomAD compares: Non-Finnish European, 0.00017%; no homozygotes.

Submissions (2):

Labcorp Genetics (formerly Invitae), Labcorp
Classification: Uncertain significance for Immunodeficiency due to CD25 deficiency. Last evaluated: 2024-08-07. Review status: criteria provided, single submitter. Criteria: Invitae Variant Classification Sherloc (09022015). Collection method: clinical testing. Allele origin: germline.
Comment: This sequence change affects a donor splice site in intron 7 of the IL2RA gene. While this variant is not anticipated to result in nonsense mediated decay, it likely alters RNA splicing and results in a disrupted protein product. This variant is not present in population databases (gnomAD no frequency). This variant has not been reported in the literature in individuals affected with IL2RA-related conditions. ClinVar contains an entry for this variant (Variation ID: 1446138). Variants that disrupt the consensus splice site are a relatively common cause of aberrant splicing (PMID: 17576681, 9536098). Algorithms developed to predict the effect of sequence changes on RNA splicing suggest that this variant may disrupt the consensus splice site. In summary, the available evidence is currently insufficient to determine the role of this variant in disease. Therefore, it has been classified as a Variant of Uncertain Significance.

Dr. Peter K. Rogan Lab, Western University
No classification provided (evidence only). Condition: Acute myeloid leukemia. Review status: no classification provided. Collection method: in vitro. Allele origin: not applicable. Functional consequence: skipped exon. Not counted in ClinVar's aggregate classification.

Literature cited by the submitters: PubMed 17576681 (cited by Labcorp Genetics (formerly Invitae), Labcorp); PubMed 9536098 (cited by Labcorp Genetics (formerly Invitae), Labcorp).

NM_000417.3(IL2RA):c.794+1G>C

Gene: IL2RA (interleukin 2 receptor subunit alpha; minus strand). Cytogenetic location: 10p15.1.
Variant type: single nucleotide variant.
Coding change: c.794+1G>C on transcript NM_000417.3 (MANE Select); the canonical splice donor site of the intron after coding-DNA position 794, G replaced by C.
Molecular consequence: splice donor variant.
Genome position (GRCh38, 1-based): chr10:6,018,052, C>G on the plus strand (G>C on the coding strand, the complement: IL2RA is on the minus strand). VCF-style: chr10-6018052-C-G. GRCh37 (hg19) VCF-style: chr10-6060015-C-G.
Other names: c.506+1G>C (NM_001308243.2); c.578+1G>C (NM_001308242.2).
Identifiers: ClinVar variation 1446138 (VCV001446138.9), dbSNP rs12722699, ClinGen allele CA375924049.
Genomic context (GRCh38, chr10:6,018,052, plus strand): 5'-GGTGGGGCTGGGTACAGGACTTTGATCTGACCAAGGGCTGCCTTGGTGATGCCACACTTA[C>G]TGTCTCCGCTGCCAGGTGAGCCCACTCAGGAGGAGGACGCTGATCAGCAGGAAAACACAG-3'